The following is an entry in ClinVar:

ClinVar aggregate classification (germline): Uncertain significance. Review status: criteria provided, multiple submitters, no conflicts (2 of 4 stars). 2 submissions from 2 submitters: Uncertain significance (2). Last evaluated 2025-02-12.

Conditions:
Hereditary cancer-predisposing syndrome. Also called: Hereditary neoplastic syndrome; Neoplastic Syndromes, Hereditary; Hereditary Cancer Syndrome; Tumor predisposition. Identifiers: Orphanet 140162, MedGen C0027672, MeSH D009386, MONDO:0015356.

Allele frequency attached by ClinVar (database versions not stated): ExAC 0.00001.

Submissions (2):

Ambry Genetics
Classification: Uncertain significance for Hereditary cancer-predisposing syndrome. Last evaluated: 2025-02-12. Review status: criteria provided, single submitter. Criteria: Ambry Variant Classification Scheme 2023. Collection method: clinical testing. Allele origin: germline.
Comment: The p.A236V variant (also known as c.707C>T), located in coding exon 5 of the CTNNA1 gene, results from a C to T substitution at nucleotide position 707. The alanine at codon 236 is replaced by valine, an amino acid with similar properties. This amino acid position is highly conserved in available vertebrate species. In addition, the in silico prediction for this alteration is inconclusive. The evidence for this gene-disease relationship is limited; therefore, the clinical significance of this alteration is unclear.

Labcorp Genetics (formerly Invitae), Labcorp
Classification: Uncertain significance. Last evaluated: 2022-07-23. Review status: criteria provided, single submitter. Criteria: Invitae Variant Classification Sherloc (09022015). Collection method: clinical testing. Allele origin: germline.
Comment: This sequence change replaces alanine, which is neutral and non-polar, with valine, which is neutral and non-polar, at codon 236 of the CTNNA1 protein (p.Ala236Val). This variant is present in population databases (rs762843334, gnomAD 0.003%). In summary, the available evidence is currently insufficient to determine the role of this variant in disease. Therefore, it has been classified as a Variant of Uncertain Significance. Algorithms developed to predict the effect of missense changes on protein structure and function are either unavailable or do not agree on the potential impact of this missense change (SIFT: "Deleterious"; PolyPhen-2: "Benign"; Align-GVGD: "Class C0"). This variant has not been reported in the literature in individuals affected with CTNNA1-related conditions.

NM_001903.5(CTNNA1):c.707C>T (p.Ala236Val)

Gene: CTNNA1 (catenin alpha 1; plus strand). Cytogenetic location: 5q31.2.
Variant type: single nucleotide variant.
Coding change: c.707C>T on transcript NM_001903.5 (MANE Select); coding-DNA position 707, C replaced by T.
Protein change: p.Ala236Val; replaces alanine 236 with valine.
Molecular consequence: missense variant.
Genome position (GRCh38, 1-based): chr5:138,824,648, C>T. VCF-style: chr5-138824648-C-T. GRCh37 (hg19) VCF-style: chr5-138160337-C-T.
Other names: c.707C>T (NM_001903.2); c.707C>T, p.Ala236Val (NM_001290307.3, NM_001323982.2, NM_001323983.1 and 3 more transcripts); c.398C>T, p.Ala133Val (NM_001290309.3); c.338C>T, p.Ala113Val (NM_001290310.3); short protein forms A113V, A133V, A236V.
Identifiers: ClinVar variation 1721097 (VCV001721097.6), dbSNP rs762843334, ClinGen allele CA3431535.